The following is an entry in ClinVar:

NM_025074.7(FRAS1):c.1177G>A (p.Glu393Lys)

Gene: FRAS1 (Fraser extracellular matrix complex subunit 1; plus strand). Cytogenetic location: 4q21.21.
Variant type: single nucleotide variant.
Coding change: c.1177G>A on transcript NM_025074.7 (MANE Select); coding-DNA position 1177, G replaced by A.
Protein change: p.Glu393Lys; replaces glutamic acid 393 with lysine.
Molecular consequence: missense variant.
Genome position (GRCh38, 1-based): chr4:78,282,889, G>A. VCF-style: chr4-78282889-G-A. GRCh37 (hg19) VCF-style: chr4-79204043-G-A.
Other names: c.1177G>A, p.Glu393Lys (NM_001166133.2); c.1177G>A (NM_025074.6); short protein forms E393K.
Identifiers: ClinVar variation 1404515 (VCV001404515.7), dbSNP rs376133490, ClinGen allele CA2976208.

ClinVar aggregate classification (germline): Conflicting classifications of pathogenicity. Review status: criteria provided, conflicting classifications (1 of 4 stars). 3 submissions from 3 submitters: Uncertain significance (2); Likely benign (1). Last evaluated 2025-03-03.

Conditions:
Fraser syndrome 1 (FRASRS1). Also called: CRYPTOPHTHALMOS WITH OTHER MALFORMATIONS. Identifiers: Orphanet 2052, MedGen C4551480, MONDO:0054737, OMIM 219000.
Inborn genetic diseases. Identifiers: MedGen C0950123, MeSH D030342.

Allele frequency attached by ClinVar (database versions not stated): ExAC 0.00002; gnomAD exomes 0.00002; gnomAD 0.00007; TOPMed 0.00009; ESP Exome Variant Server 0.00016.
gnomAD v4.1: 33 of 1,612,420 alleles (0.002%); highest among the groups gnomAD compares: African/African-American, 0.023%; no homozygotes.

Submissions (3):

Ambry Genetics
Classification: Likely benign for Inborn genetic diseases. Last evaluated: 2025-03-03. Review status: criteria provided, single submitter. Criteria: Ambry Variant Classification Scheme 2023. Collection method: clinical testing. Allele origin: germline.

Fulgent Genetics
Classification: Uncertain significance for Fraser syndrome 1. Last evaluated: 2022-04-02. Review status: criteria provided, single submitter. Criteria: ACMG Guidelines, 2015. Collection method: clinical testing. Allele origin: unknown.

Labcorp Genetics (formerly Invitae), Labcorp
Classification: Uncertain significance. Last evaluated: 2021-11-25. Review status: criteria provided, single submitter. Criteria: Invitae Variant Classification Sherloc (09022015). Collection method: clinical testing. Allele origin: germline.
Comment: This sequence change replaces glutamic acid, which is acidic and polar, with lysine, which is basic and polar, at codon 393 of the FRAS1 protein (p.Glu393Lys). This variant is present in population databases (rs376133490, gnomAD 0.02%). This variant has not been reported in the literature in individuals affected with FRAS1-related conditions. Algorithms developed to predict the effect of missense changes on protein structure and function output the following: SIFT: "Tolerated"; PolyPhen-2: "Benign"; Align-GVGD: "Class C0". The lysine amino acid residue is found in multiple mammalian species, which suggests that this missense change does not adversely affect protein function. In summary, the available evidence is currently insufficient to determine the role of this variant in disease. Therefore, it has been classified as a Variant of Uncertain Significance.